The following is an entry in ClinVar:

ClinVar aggregate classification (germline): Uncertain significance. Review status: criteria provided, multiple submitters, no conflicts (2 of 4 stars). 2 submissions from 2 submitters: Uncertain significance (2). Last evaluated 2023-08-04.

Allele frequency attached by ClinVar (database versions not stated): gnomAD exomes below 0.00001.

Submissions (2):

Mayo Clinic Laboratories, Mayo Clinic
Classification: Uncertain significance. Last evaluated: 2023-08-04. Review status: criteria provided, single submitter. Criteria: ACMG Guidelines, 2015. Collection method: clinical testing. Allele origin: germline. Observed: 1 variant allele.
Comment: PM2_moderate

Ambry Genetics
Classification: Uncertain significance. Last evaluated: 2022-01-31. Review status: criteria provided, single submitter. Criteria: Ambry Variant Classification Scheme 2023. Collection method: clinical testing. Allele origin: germline.
Comment: The p.R306C variant (also known as c.916C>T), located in coding exon 2 of the EGLN2 gene, results from a C to T substitution at nucleotide position 916. The arginine at codon 306 is replaced by cysteine, an amino acid with highly dissimilar properties. This amino acid position is conserved. In addition, this alteration is predicted to be deleterious by in silico analysis. Since supporting evidence is limited at this time, the clinical significance of this alteration remains unclear.

NM_080732.4(EGLN2):c.916C>T (p.Arg306Cys)

Genes: EGLN2 (egl-9 family hypoxia inducible factor 2; plus strand), RAB4B-EGLN2 (RAB4B-EGLN2 readthrough (NMD candidate); plus strand). Cytogenetic location: 19q13.2.
Variant type: single nucleotide variant.
Coding change: c.916C>T on transcript NM_080732.4 (MANE Select); coding-DNA position 916, C replaced by T.
Protein change: p.Arg306Cys; replaces arginine 306 with cysteine.
Molecular consequence: missense variant. On other transcripts: non-coding transcript variant (1).
Genome position (GRCh38, 1-based): chr19:40,806,627, C>T. VCF-style: chr19-40806627-C-T. GRCh37 (hg19) VCF-style: chr19-41312532-C-T.
Other names: p.Arg306Cys; c.916C>T, p.Arg306Cys (NM_053046.4); short protein forms R306C.
Identifiers: ClinVar variation 1766033 (VCV001766033.3), dbSNP rs1337903601, ClinGen allele CA405956262.